The following is an entry in ClinVar:

NM_000443.4(ABCB4):c.1268A>C (p.Gln423Pro)

Gene: ABCB4 (ATP binding cassette subfamily B member 4; minus strand). Cytogenetic location: 7q21.12.
Variant type: single nucleotide variant.
Coding change: c.1268A>C on transcript NM_000443.4 (MANE Select); coding-DNA position 1268, A replaced by C.
Protein change: p.Gln423Pro; replaces glutamine 423 with proline.
Molecular consequence: missense variant.
Genome position (GRCh38, 1-based): chr7:87,443,407, T>G on the plus strand (A>C on the coding strand, the complement: ABCB4 is on the minus strand). VCF-style: chr7-87443407-T-G. GRCh37 (hg19) VCF-style: chr7-87072723-T-G.
Other names: c.1268A>C, p.Gln423Pro (NM_018849.3, NM_018850.3); short protein forms Q423P.
Identifiers: ClinVar variation 4846584 (VCV004846584.1).
Genomic context (GRCh38, chr7:87,443,407, plus strand): 5'-TGTATCAGCTGGACCGTTGTGCTCTTCCCACAGCCACTACTTCCAACCAGGGCCACCGTC[T>G]GCCCACTCTGCACCTTCAGGTTGAGGCCCTTCAAGATCTGTAAGGAAAATGAGAAAAAAG-3'
Protein context (NP_000434.1, residues 413-433): KGLNLKVQSG[Gln423Pro]TVALVGSSGC

ClinVar aggregate classification (germline): Uncertain significance (1 of 4 stars; one submission).

Conditions:
Low phospholipid associated cholelithiasis (GBD1). Also called: Gallbladder disease 1; Gallstone cholecystitis. Identifiers: Orphanet 69663, MedGen C2609268, MONDO:0010939, OMIM 600803.

gnomAD v4.1: 1 of 1,614,010 alleles (0.000062%); highest among the groups gnomAD compares: African/African-American, 0.0013%; no homozygotes.

Submission:

Genomenon, Inc
Classification: Uncertain significance for Low phospholipid associated cholelithiasis. Last evaluated: 2026-04-14. Review status: criteria provided, single submitter. Criteria: Genomenon Sequence Variant Interpretation Standards - Updated. Collection method: curation. Allele origin: germline. Affected: yes.
Comment: ABCB4 p.Gln423Pro (c.1268A>C) is a missense variant that changes the amino acid at residue 423 from Glutamine to Proline. This variant has been observed in at least one proband with an ABCB4-related disorder (PMID:32893960). It is absent or not present at a significant frequency in gnomAD. In silico models predict that this variant is possibly or probably damaging. In conclusion, we classify ABCB4 p.Gln423Pro (c.1268A>C) as a variant of uncertain significance.

Literature cited by the submitters: PubMed 32893960.